The following is an entry in ClinVar:

NM_000051.4(ATM):c.6745G>T (p.Asp2249Tyr)

Genes: ATM (ATM serine/threonine kinase; plus strand), C11orf65 (chromosome 11 open reading frame 65; minus strand). Cytogenetic location: 11q22.3.
Variant type: single nucleotide variant.
Coding change: c.6745G>T on transcript NM_000051.4 (MANE Select); coding-DNA position 6745, G replaced by T.
Protein change: p.Asp2249Tyr; replaces aspartic acid 2249 with tyrosine.
Molecular consequence: missense variant. On other transcripts: intron variant (2).
Genome position (GRCh38, 1-based): chr11:108,325,482, G>T. VCF-style: chr11-108325482-G-T. GRCh37 (hg19) VCF-style: chr11-108196209-G-T.
Other names: c.6745G>T, p.Asp2249Tyr (NM_001351834.2); c.641-16411C>A (NM_001330368.2); c.*38+9738C>A (NM_001351110.2); short protein forms D2249Y.
Identifiers: ClinVar variation 490670 (VCV000490670.13), dbSNP rs1555119235, ClinGen allele CA382555216.

ClinVar aggregate classification (germline): Uncertain significance. Review status: criteria provided, multiple submitters, no conflicts (2 of 4 stars). 3 submissions from 3 submitters: Uncertain significance (3). Last evaluated 2025-02-26.

Conditions:
Hereditary cancer-predisposing syndrome. Also called: Neoplastic Syndromes, Hereditary; Hereditary Cancer Syndrome; Tumor predisposition; Hereditary neoplastic syndrome. Identifiers: Orphanet 140162, MedGen C0027672, MeSH D009386, MONDO:0015356.
Ataxia-telangiectasia syndrome (AT). Also called: LOUIS-BAR SYNDROME; Cerebello-oculocutaneous telangiectasia; Immunodeficiency with ataxia telangiectasia; Ataxia-telangiectasia, complementation group D; AT, COMPLEMENTATION GROUP C; Ataxia-telangiectasia, complementation group E. Identifiers: Orphanet 100, MedGen C0004135, MONDO:0008840, OMIM 208900.

Submissions (3):

Labcorp Genetics (formerly Invitae), Labcorp
Classification: Uncertain significance for Ataxia-telangiectasia syndrome. Last evaluated: 2025-02-26. Review status: criteria provided, single submitter. Criteria: Invitae Variant Classification Sherloc (09022015). Collection method: clinical testing. Allele origin: germline.
Comment: This sequence change replaces aspartic acid, which is acidic and polar, with tyrosine, which is neutral and polar, at codon 2249 of the ATM protein (p.Asp2249Tyr). This variant is not present in population databases (gnomAD no frequency). This variant has not been reported in the literature in individuals affected with ATM-related conditions. ClinVar contains an entry for this variant (Variation ID: 490670). Invitae Evidence Modeling of protein sequence and biophysical properties (such as structural, functional, and spatial information, amino acid conservation, physicochemical variation, residue mobility, and thermodynamic stability) has been performed for this missense variant. However, the output from this modeling did not meet the statistical confidence thresholds required to predict the impact of this variant on ATM protein function. In summary, the available evidence is currently insufficient to determine the role of this variant in disease. Therefore, it has been classified as a Variant of Uncertain Significance.

Ambry Genetics
Classification: Uncertain significance for Hereditary cancer-predisposing syndrome. Last evaluated: 2024-09-20. Review status: criteria provided, single submitter. Criteria: Ambry Variant Classification Scheme 2023. Collection method: clinical testing. Allele origin: germline.
Comment: The p.D2249Y variant (also known as c.6745G>T), located in coding exon 45 of the ATM gene, results from a G to T substitution at nucleotide position 6745. The aspartic acid at codon 2249 is replaced by tyrosine, an amino acid with highly dissimilar properties. This amino acid position is not well conserved in available vertebrate species. In addition, the in silico prediction for this alteration is inconclusive. Based on the available evidence, the clinical significance of this variant remains unclear.

Color Diagnostics, LLC DBA Color Health
Classification: Uncertain significance for Hereditary cancer-predisposing syndrome. Last evaluated: 2023-12-05. Review status: criteria provided, single submitter. Criteria: ACMG Guidelines, 2015. Collection method: clinical testing. Allele origin: germline.
Comment: This missense variant replaces aspartic acid with tyrosine at codon 2249 of the ATM protein. Computational prediction is inconclusive regarding the impact of this variant on protein structure and function (internally defined REVEL score threshold 0.5 < inconclusive < 0.7, PMID: 27666373). To our knowledge, functional studies have not been reported for this variant. This variant has not been reported in individuals affected with ATM-related disorders in the literature. This variant has not been identified in the general population by the Genome Aggregation Database (gnomAD). The available evidence is insufficient to determine the role of this variant in disease conclusively. Therefore, this variant is classified as a Variant of Uncertain Significance.